The following is an entry in ClinVar:

ClinVar aggregate classification (germline): Uncertain significance. Review status: criteria provided, single submitter (1 of 4 stars). 2 submissions from 2 submitters: Uncertain significance (1). 1 of the submissions does not count toward it. Last evaluated 2017-11-14.

Conditions:
Hereditary cancer-predisposing syndrome. Also called: Hereditary Cancer Syndrome; Hereditary neoplastic syndrome; Neoplastic Syndromes, Hereditary; Tumor predisposition. Identifiers: Orphanet 140162, MedGen C0027672, MeSH D009386, MONDO:0015356.
Microcephaly, normal intelligence and immunodeficiency (NBS). Also called: Ataxia telangiectasia variant V1; IMMUNODEFICIENCY, MICROCEPHALY, AND CHROMOSOMAL INSTABILITY; SEEMANOVA SYNDROME II; Nijmegen breakage syndrome; Microcephaly with normal intelligence immunodeficiency and lymphoreticular malignancies; Nonsyndromal microcephaly autosomal recessive with normal intelligence. Identifiers: Orphanet 647, MedGen C0398791, MONDO:0009623, OMIM 251260.

Submissions (2):

Ambry Genetics
Classification: Uncertain significance for Hereditary cancer-predisposing syndrome. Last evaluated: 2017-11-14. Review status: criteria provided, single submitter. Criteria: Ambry Variant Classification Scheme 2023. Collection method: clinical testing. Allele origin: germline.
Comment: The c.1752_1754delGGA variant (also known as p.E585del) is located in coding exon 11 of the NBN gene. This variant results from an in-frame GGA deletion at nucleotide positions 1752 to 1754. This results in the in-frame deletion of a glutamic acid at codon 585. This amino acid position is not well conserved in available vertebrate species. Since supporting evidence is limited at this time, the clinical significance of this alteration remains unclear.

Counsyl
Classification: Uncertain significance for Microcephaly, normal intelligence and immunodeficiency. Last evaluated: 2017-09-26. Review status: no assertion criteria provided. Collection method: clinical testing. Allele origin: unknown. Not counted in ClinVar's aggregate classification.

NM_002485.5(NBN):c.1749GGA[1] (p.Glu585del)

Gene: NBN (nibrin; minus strand). Cytogenetic location: 8q21.3.
Variant type: Microsatellite.
Coding change: c.1749GGA[1] on transcript NM_002485.5 (MANE Select); one copy of the 3-base unit GGA starting at c.1749; the reference has two copies in a row; one copy, 3 bases deleted.
Protein change: p.Glu585del; deletes glutamic acid 585.
Molecular consequence: inframe deletion.
Genome position (GRCh38, 1-based): chr8:89,953,335-89,953,337, TCC deleted on the plus strand (GGA on the coding strand, the reverse complement: NBN is on the minus strand); deleting any 3 consecutive bases within chr8:89,953,335-89,953,341 gives the same sequence; the position shown is the placement nearest the transcript's 3' end. VCF-style (leftmost placement, unchanged base first): chr8-89953334-TTCC-T. GRCh37 (hg19) VCF-style: chr8-90965562-TTCC-T.
Other names: c.1752_1754delGGA (NM_002485.4); c.1503GGA[1], p.Glu503del (NM_001024688.3); short protein forms E585del, E503del.
Identifiers: ClinVar variation 554070 (VCV000554070.4), dbSNP rs1554558265, ClinGen allele CA658822450.